The following is an entry in ClinVar:

NM_004320.6(ATP2A1):c.1167C>T (p.Tyr389=)

Gene: ATP2A1 (ATPase sarcoplasmic/endoplasmic reticulum Ca2+ transporting 1; plus strand). Cytogenetic location: 16p11.2.
Variant type: single nucleotide variant.
Coding change: c.1167C>T on transcript NM_004320.6 (MANE Select); coding-DNA position 1167, C replaced by T.
Protein change: p.Tyr389=; no amino-acid change (tyrosine 389 retained).
Molecular consequence: synonymous variant.
Genome position (GRCh38, 1-based): chr16:28,894,226, C>T. VCF-style: chr16-28894226-C-T. GRCh37 (hg19) VCF-style: chr16-28905547-C-T.
Other names: p.Tyr389=; c.1167C>T (NM_173201.4); c.792C>T, p.Tyr264= (NM_001286075.2); c.1167C>T, p.Tyr389= (NM_173201.5).
Identifiers: ClinVar variation 384410 (VCV000384410.57), dbSNP rs41292388, ClinGen allele CA7986869.

ClinVar aggregate classification (germline): Conflicting classifications of pathogenicity. Review status: criteria provided, conflicting classifications (1 of 4 stars). 8 submissions from 8 submitters: Uncertain significance (1); Benign (3); Likely benign (3). 1 of the submissions does not count toward it. Last evaluated 2026-07-01.

Conditions:
ATP2A1-related disorder. Also called: ATP2A1-related condition.
Brody myopathy. Also called: BRODY DISEASE. Identifiers: Orphanet 53347, MedGen C1832918, MONDO:0010977, OMIM 601003.

Allele frequency attached by ClinVar (database versions not stated): 1000 Genomes Project 30x 0.00141; ESP Exome Variant Server 0.00239; gnomAD 0.00254 and 0.00255; ExAC 0.00256; TOPMed 0.00257; gnomAD exomes 0.00285 and 0.00331; 1000 Genomes Project 0.00140.

Submissions (8):

CeGaT Center for Human Genetics Tuebingen
Classification: Likely benign. Last evaluated: 2026-07-01. Review status: criteria provided, single submitter. Criteria: CeGaT Center For Human Genetics Tuebingen Variant Classification Criteria Version 2. Collection method: clinical testing. Allele origin: germline. Affected: yes. Observed: 2 variant alleles.
Comment: ATP2A1: BP4, BP7

Labcorp Genetics (formerly Invitae), Labcorp
Classification: Benign for Brody myopathy. Last evaluated: 2026-02-01. Review status: criteria provided, single submitter. Criteria: Invitae Variant Classification Sherloc (09022015). Collection method: clinical testing. Allele origin: germline.

Blueprint Genetics
Classification: Likely benign. Last evaluated: 2024-11-15. Review status: criteria provided, single submitter. Criteria: ACMG Guidelines, 2015. Collection method: clinical testing. Allele origin: germline.

Mayo Clinic Laboratories, Mayo Clinic
Classification: Benign. Last evaluated: 2024-07-31. Review status: criteria provided, single submitter. Criteria: ACMG Guidelines, 2015. Collection method: clinical testing. Allele origin: germline. Observed: 4 variant alleles.
Comment: BS1, BS2, BP4, BP7

Athena Diagnostics
Classification: Benign. Last evaluated: 2020-12-29. Review status: criteria provided, single submitter. Criteria: Athena Diagnostics criteria. Collection method: clinical testing. Allele origin: unknown.

GeneDx
Classification: Likely benign. Last evaluated: 2017-10-27. Review status: criteria provided, single submitter. Criteria: GeneDx Variant Classification (06012015). Collection method: clinical testing. Allele origin: germline. Affected: yes.
Comment: This variant is considered likely benign or benign based on one or more of the following criteria: it is a conservative change, it occurs at a poorly conserved position in the protein, it is predicted to be benign by multiple in silico algorithms, and/or has population frequency not consistent with disease.

Illumina Laboratory Services, Illumina
Classification: Uncertain significance for Brody myopathy. Last evaluated: 2017-04-27. Review status: criteria provided, single submitter. Criteria: ICSL Variant Classification Criteria 13 December 2019. Collection method: clinical testing. Allele origin: germline.

PreventionGenetics, part of Exact Sciences
Classification: Likely benign for ATP2A1-related condition. Last evaluated: 2019-12-03. Review status: no assertion criteria provided. Collection method: clinical testing. Allele origin: germline. Not counted in ClinVar's aggregate classification.
Comment: This variant is classified as likely benign based on ACMG/AMP sequence variant interpretation guidelines (Richards et al. 2015 PMID: 25741868, with internal and published modifications).